The following is an entry in ClinVar:

ClinVar aggregate classification (germline): Benign/Likely benign. Review status: criteria provided, multiple submitters, no conflicts (2 of 4 stars). 8 submissions from 8 submitters: Benign (3); Likely benign (4). 1 of the submissions does not count toward it. Last evaluated 2026-09-01.

Conditions:
Emery-Dreifuss muscular dystrophy 5, autosomal dominant (EDMD5). Also called: EMERY-DREIFUSS MUSCULAR DYSTROPHY 5. Identifiers: Orphanet 261, MedGen C2751805, MONDO:0013072, OMIM 612999.

Allele frequency attached by ClinVar (database versions not stated): 1000 Genomes Project 30x 0.00109; 1000 Genomes Project 0.00140; TOPMed 0.00259; gnomAD 0.00322 and 0.00341; gnomAD exomes 0.00338 and 0.00428; ExAC 0.00348; ESP Exome Variant Server 0.00408.
gnomAD v4.1: 6,705 of 1,614,166 alleles (0.42%); highest among the groups gnomAD compares: Middle Eastern, 0.54%; 21 homozygotes.

Submissions (8):

CeGaT Center for Human Genetics Tuebingen
Classification: Likely benign. Last evaluated: 2026-09-01. Review status: criteria provided, single submitter. Criteria: CeGaT Center For Human Genetics Tuebingen Variant Classification Criteria Version 2. Collection method: clinical testing. Allele origin: germline. Affected: yes. Observed: 10 variant alleles.
Comment: SYNE2: BP4, BS2

Labcorp Genetics (formerly Invitae), Labcorp
Classification: Likely benign for Emery-Dreifuss muscular dystrophy 5, autosomal dominant. Last evaluated: 2026-01-05. Review status: criteria provided, single submitter. Criteria: Invitae Variant Classification Sherloc (09022015). Collection method: clinical testing. Allele origin: germline.

Illumina Laboratory Services, Illumina
Classification: Benign for Emery-Dreifuss muscular dystrophy 5, autosomal dominant. Last evaluated: 2018-01-13. Review status: criteria provided, single submitter. Criteria: ICSL Variant Classification Criteria 13 December 2019. Collection method: clinical testing. Allele origin: germline.
Comment: This variant was observed in the ICSL laboratory as part of a predisposition screen in an ostensibly healthy population. It had not been previously curated by ICSL or reported in the Human Gene Mutation Database (HGMD: prior to June 1st, 2018), and was therefore a candidate for classification through an automated scoring system. Utilizing variant allele frequency, disease prevalence and penetrance estimates, and inheritance mode, an automated score was calculated to assess if this variant is too frequent to cause the disease. Based on the score and internal cut-off values, a variant classified as benign is not then subjected to further curation. The score for this variant resulted in a classification of benign for this disease.

Clinical Genetics DNA and cytogenetics Diagnostics Lab, Erasmus MC, Erasmus Medical Center
Classification: Benign for Emery-Dreifuss muscular dystrophy 5, autosomal dominant. Last evaluated: 2016-01-13. Review status: criteria provided, single submitter. Criteria: ACGS Guidelines, 2013. Collection method: clinical testing. Allele origin: germline. Affected: yes. Study: VKGL Data-share Consensus.

Eurofins Ntd Llc (ga)
Classification: Likely benign. Last evaluated: 2015-08-17. Review status: criteria provided, single submitter. Criteria: EGL Classification Definitions 2015. Collection method: clinical testing. Allele origin: germline. Observed: 4 variant alleles, 4 heterozygotes.

Genome Diagnostics Laboratory, University Medical Center Utrecht
Classification: Benign for Emery-Dreifuss muscular dystrophy 5, autosomal dominant. Last evaluated: 2014-10-09. Review status: criteria provided, single submitter. Criteria: ACGS Guidelines, 2013. Collection method: clinical testing. Allele origin: germline. Affected: yes. Study: VKGL Data-share Consensus.

Breakthrough Genomics
Classification: Likely benign. Review status: criteria provided, single submitter. Criteria: ACMG Guidelines, 2015. Collection method: not provided. Allele origin: germline. Inheritance: Autosomal dominant inheritance. Affected: yes.

Laboratory of Diagnostic Genome Analysis, Leiden University Medical Center (LUMC)
Classification: Likely benign. Review status: no assertion criteria provided. Collection method: clinical testing. Allele origin: germline. Affected: yes. Study: VKGL Data-share Consensus. Not counted in ClinVar's aggregate classification.

NM_182914.3(SYNE2):c.20011G>A (p.Ala6671Thr)

Gene: SYNE2 (spectrin repeat containing nuclear envelope protein 2; plus strand). Cytogenetic location: 14q23.2.
Variant type: single nucleotide variant.
Coding change: c.20011G>A on transcript NM_182914.3 (MANE Select); coding-DNA position 20011, G replaced by A.
Protein change: p.Ala6671Thr; replaces alanine 6671 with threonine.
Molecular consequence: missense variant.
Genome position (GRCh38, 1-based): chr14:64,220,587, G>A. VCF-style: chr14-64220587-G-A. GRCh37 (hg19) VCF-style: chr14-64687305-G-A.
Other names: c.19942G>A, p.Ala6648Thr (NM_015180.6); c.535G>A, p.Ala179Thr (NM_182910.2); c.913G>A, p.Ala305Thr (NM_182913.4); short protein forms A6671T, A305T, A6648T, A179T.
Identifiers: ClinVar variation 193953 (VCV000193953.45), dbSNP rs34820571, ClinGen allele CA239695.